The following is an entry in ClinVar:

ClinVar aggregate classification (germline): Benign (1 of 4 stars; one submission).

Allele frequency attached by ClinVar (database versions not stated): 1000 Genomes Project 0.00240; 1000 Genomes Project 30x 0.00328; gnomAD exomes 0.00928.
gnomAD v4.1: 1,282 of 154,140 alleles (0.83%); highest among the groups gnomAD compares: Middle Eastern, 2.4%; 10 homozygotes.

Submission:

CeGaT Center for Human Genetics Tuebingen
Classification: Benign. Last evaluated: 2023-03-01. Review status: criteria provided, single submitter. Criteria: CeGaT Center For Human Genetics Tuebingen Variant Classification Criteria Version 2. Collection method: clinical testing. Allele origin: germline. Affected: yes. Observed: 6 variant alleles.
Comment: MTSS2: BS1, BS2

NM_138383.3(MTSS2):c.-182C>T

Gene: MTSS2 (MTSS I-BAR domain containing 2; minus strand). Cytogenetic location: 16q22.1.
Variant type: single nucleotide variant.
Coding change: c.-182C>T on transcript NM_138383.3 (MANE Select); 182 bases upstream of the start codon, C replaced by T.
Molecular consequence: 5 prime UTR variant.
Genome position (GRCh38, 1-based): chr16:70,685,973, G>A on the plus strand (C>T on the coding strand, the complement: MTSS2 is on the minus strand). VCF-style: chr16-70685973-G-A. GRCh37 (hg19) VCF-style: chr16-70719876-G-A.
Identifiers: ClinVar variation 2646685 (VCV002646685.24), dbSNP rs568088761, ClinGen allele CA283472406.
Genomic context (GRCh38, chr16:70,685,973, plus strand): 5'-GCTGCGCTCAGCGGCCGGCCGCGCCGCGCTCCGGGGTCGCGGGCCTCCGGCGGGCGGCGC[G>A]GGCCATGTCGCAGCGGGGCTGGCGGGCGGCGCGGGGGGCGCGGCGCGGGCAGCTCGCGGC-3'